The following is an entry in ClinVar:

ClinVar aggregate classification (germline): Pathogenic (1 of 4 stars; one submission).

Submission:

Labcorp Genetics (formerly Invitae), Labcorp
Classification: Pathogenic. Last evaluated: 2024-03-20. Review status: criteria provided, single submitter. Criteria: Invitae Variant Classification Sherloc (09022015). Collection method: clinical testing. Allele origin: germline.
Comment: This sequence change creates a premature translational stop signal (p.Trp768*) in the MSH3 gene. It is expected to result in an absent or disrupted protein product. Loss-of-function variants in MSH3 are known to be pathogenic (PMID: 27476653, 37402566). This variant is not present in population databases (gnomAD no frequency). This variant has not been reported in the literature in individuals affected with MSH3-related conditions. Algorithms developed to predict the effect of sequence changes on RNA splicing suggest that this variant may disrupt the consensus splice site. For these reasons, this variant has been classified as Pathogenic.

Literature cited by the submitters: PubMed 27476653; PubMed 37402566.

NM_002439.5(MSH3):c.2303G>A (p.Trp768Ter)

Gene: MSH3 (mutS homolog 3; plus strand). Cytogenetic location: 5q14.1.
Variant type: single nucleotide variant.
Coding change: c.2303G>A on transcript NM_002439.5 (MANE Select); coding-DNA position 2303, G replaced by A.
Protein change: p.Trp768Ter; replaces tryptophan 768 with a stop codon.
Molecular consequence: nonsense.
Genome position (GRCh38, 1-based): chr5:80,775,743, G>A. VCF-style: chr5-80775743-G-A. GRCh37 (hg19) VCF-style: chr5-80071562-G-A.
Other names: short protein forms W768*.
Identifiers: ClinVar variation 3646894 (VCV003646894.2).